The following is an entry in ClinVar:

NM_032043.3(BRIP1):c.1594A>G (p.Met532Val)

Gene: BRIP1 (BRCA1 interacting DNA helicase 1; minus strand). Cytogenetic location: 17q23.2.
Variant type: single nucleotide variant.
Coding change: c.1594A>G on transcript NM_032043.3 (MANE Select); coding-DNA position 1594, A replaced by G.
Protein change: p.Met532Val; replaces methionine 532 with valine.
Molecular consequence: missense variant.
Genome position (GRCh38, 1-based): chr17:61,784,304, T>C on the plus strand (A>G on the coding strand, the complement: BRIP1 is on the minus strand). VCF-style: chr17-61784304-T-C. GRCh37 (hg19) VCF-style: chr17-59861665-T-C.
Other names: short protein forms M532V.
Identifiers: ClinVar variation 230095 (VCV000230095.27), dbSNP rs876658383, ClinGen allele CA10580835.

ClinVar aggregate classification (germline): Uncertain significance. Review status: criteria provided, multiple submitters, no conflicts (2 of 4 stars). 7 submissions from 7 submitters: Uncertain significance (6). 1 of the submissions does not count toward it. Last evaluated 2026-01-20.

Conditions:
Hereditary cancer-predisposing syndrome. Also called: Neoplastic Syndromes, Hereditary; Hereditary Cancer Syndrome; Tumor predisposition; Hereditary neoplastic syndrome. Identifiers: Orphanet 140162, MedGen C0027672, MeSH D009386, MONDO:0015356.
Fanconi anemia complementation group J. Also called: BRIP1-Related Fanconi Anemia. Identifiers: Orphanet 84, MedGen C1836860, MONDO:0012187, OMIM 609054.
Familial cancer of breast. Also called: hereditary breast carcinoma; Hereditary breast cancer; BREAST CANCER, FAMILIAL. Identifiers: Orphanet 227535, MedGen C0346153, MONDO:0016419, OMIM 114480. Disease mechanism: loss of function.

Allele frequency attached by ClinVar (database versions not stated): gnomAD exomes below 0.00001; TOPMed below 0.00001; gnomAD 0.00001.
gnomAD v4.1: 3 of 1,613,148 alleles (0.00019%); highest among the groups gnomAD compares: East Asian, 0.0045%; no homozygotes.

Submissions (7):

Labcorp Genetics (formerly Invitae), Labcorp
Classification: Uncertain significance for Familial cancer of breast; Fanconi anemia complementation group J. Last evaluated: 2026-01-20. Review status: criteria provided, single submitter. Criteria: Invitae Variant Classification Sherloc (09022015). Collection method: clinical testing. Allele origin: germline.
Comment: This sequence change replaces methionine, which is neutral and non-polar, with valine, which is neutral and non-polar, at codon 532 of the BRIP1 protein (p.Met532Val). This variant is not present in population databases (gnomAD no frequency). This variant has not been reported in the literature in individuals affected with BRIP1-related conditions. ClinVar contains an entry for this variant (Variation ID: 230095). Invitae Evidence Modeling of protein sequence and biophysical properties (such as structural, functional, and spatial information, amino acid conservation, physicochemical variation, residue mobility, and thermodynamic stability) indicates that this missense variant is not expected to disrupt BRIP1 protein function with a negative predictive value of 95%. In summary, the available evidence is currently insufficient to determine the role of this variant in disease. Therefore, it has been classified as a Variant of Uncertain Significance.

Ambry Genetics
Classification: Uncertain significance for Hereditary cancer-predisposing syndrome. Last evaluated: 2024-12-27. Review status: criteria provided, single submitter. Criteria: Ambry Variant Classification Scheme 2023. Collection method: clinical testing. Allele origin: germline.
Comment: The p.M532V variant (also known as c.1594A>G), located in coding exon 10 of the BRIP1 gene, results from an A to G substitution at nucleotide position 1594. The methionine at codon 532 is replaced by valine, an amino acid with highly similar properties. This amino acid position is highly conserved in available vertebrate species. In addition, the in silico prediction for this alteration is inconclusive. Since supporting evidence is limited at this time, the clinical significance of this alteration remains unclear.

Color Diagnostics, LLC DBA Color Health
Classification: Uncertain significance for Hereditary cancer-predisposing syndrome. Last evaluated: 2024-03-06. Review status: criteria provided, single submitter. Criteria: ACMG Guidelines, 2015. Collection method: clinical testing. Allele origin: germline.
Comment: This missense variant replaces methionine with valine at codon 532 of the BRIP1 protein. Computational prediction is inconclusive regarding the impact of this variant on protein structure and function (internally defined REVEL score threshold 0.5 < inconclusive < 0.7, PMID: 27666373). To our knowledge, functional studies have not been reported for this variant. This variant has not been reported in individuals affected with hereditary cancer in the literature. This variant has been identified in 1/251326 chromosomes in the general population by the Genome Aggregation Database (gnomAD). The available evidence is insufficient to determine the role of this variant in disease conclusively. Therefore, this variant is classified as a Variant of Uncertain Significance.

Blueprint Genetics
Classification: Uncertain significance. Last evaluated: 2023-10-03. Review status: criteria provided, single submitter. Criteria: ACMG Guidelines, 2015. Collection method: clinical testing. Allele origin: germline.

Baylor Genetics
Classification: Uncertain significance for Familial cancer of breast. Last evaluated: 2023-09-27. Review status: criteria provided, single submitter. Criteria: ACMG Guidelines, 2015. Collection method: clinical testing. Allele origin: unknown.

Women's Health and Genetics/Laboratory Corporation of America, LabCorp
Classification: Uncertain significance. Last evaluated: 2018-12-26. Review status: criteria provided, single submitter. Criteria: LabCorp Variant Classification Summary - May 2015. Collection method: clinical testing. Allele origin: germline.
Comment: Variant summary: BRIP1 c.1594A>G (p.Met532Val) results in a conservative amino acid change in the encoded protein sequence. Four of five in-silico tools predict a benign effect of the variant on protein function. The variant was absent in 246136 control chromosomes (gnomAD). The available data on variant occurrences in the general population are insufficient to allow any conclusion about variant significance. To our knowledge, no occurrence of c.1594A>G in individuals affected with Hereditary Breast and Ovarian Cancer and no experimental evidence demonstrating its impact on protein function have been reported. Three clinical diagnostic laboratories have submitted clinical-significance assessments for this variant to ClinVar after 2014 without evidence for independent evaluation. All laboratories classified the variant as uncertain significance. Based on the evidence outlined above, the variant was classified as uncertain significance.

Leiden Open Variation Database
Classification: Uncertain significance. Last evaluated: 2019-03-03. Review status: no assertion criteria provided. Collection method: curation. Allele origin: germline. Affected: yes. Not counted in ClinVar's aggregate classification.
Comment: Curator: Arleen D. Auerbach. Submitter to LOVD: Andreas Laner.